The following is an entry in ClinVar:

NM_000501.4(ELN):c.1671C>T (p.Val557=)

Genes: ELN (elastin; plus strand), ELN-AS1 (ELN antisense RNA 1; minus strand). Cytogenetic location: 7q11.23.
Variant type: single nucleotide variant.
Coding change: c.1671C>T on transcript NM_000501.4 (MANE Select); coding-DNA position 1671, C replaced by T.
Protein change: p.Val557=; no amino-acid change (valine 557 retained).
Molecular consequence: synonymous variant.
Genome position (GRCh38, 1-based): chr7:74,060,425, C>T. VCF-style: chr7-74060425-C-T. GRCh37 (hg19) VCF-style: chr7-73474755-C-T.
Other names: c.1584C>T, p.Val528= (NM_001081752.3); c.1629C>T, p.Val543= (NM_001081753.3); c.1686C>T, p.Val562= (NM_001081754.3); c.1614C>T, p.Val538= (NM_001081755.3); c.1671C>T, p.Val557= (NM_001278912.2); c.1428C>T, p.Val476= (NM_001278913.2); c.1599C>T, p.Val533= (NM_001278914.2); c.1689C>T, p.Val563= (NM_001278915.2); and 4 more.
Identifiers: ClinVar variation 383752 (VCV000383752.10), dbSNP rs563533415, ClinGen allele CA4293152.

ClinVar aggregate classification (germline): Likely benign. Review status: criteria provided, multiple submitters, no conflicts (2 of 4 stars). 3 submissions from 3 submitters: Likely benign (3). Last evaluated 2025-04-23.

Conditions:
Supravalvar aortic stenosis (SVAS). Also called: Supravalvar aortic stenosis, Eisenberg type. Identifiers: Orphanet 3193, MedGen C0003499, MONDO:0008504, OMIM 185500, HP:0004381.

Allele frequency attached by ClinVar (database versions not stated): ExAC 0.00002; gnomAD 0.00004; gnomAD exomes 0.00004 and 0.00008; TOPMed 0.00004.
gnomAD v4.1: 56 of 1,613,960 alleles (0.0035%); highest among the groups gnomAD compares: Admixed American, 0.053%; no homozygotes.

Submissions (3):

Labcorp Genetics (formerly Invitae), Labcorp
Classification: Likely benign for Supravalvar aortic stenosis. Last evaluated: 2025-04-23. Review status: criteria provided, single submitter. Criteria: Invitae Variant Classification Sherloc (09022015). Collection method: clinical testing. Allele origin: germline.

GeneDx
Classification: Likely benign. Last evaluated: 2016-02-02. Review status: criteria provided, single submitter. Criteria: GeneDx Variant Classification (06012015). Collection method: clinical testing. Allele origin: germline. Affected: yes.
Comment: This variant is considered likely benign or benign based on one or more of the following criteria: it is a conservative change, it occurs at a poorly conserved position in the protein, it is predicted to be benign by multiple in silico algorithms, and/or has population frequency not consistent with disease.

Breakthrough Genomics
Classification: Likely benign. Review status: criteria provided, single submitter. Criteria: ACMG Guidelines, 2015. Collection method: not provided. Allele origin: germline. Inheritance: Autosomal dominant inheritance. Affected: yes.